The following is an entry in ClinVar:

NM_182914.3(SYNE2):c.9501G>T (p.Gln3167His)

Gene: SYNE2 (spectrin repeat containing nuclear envelope protein 2; plus strand). Cytogenetic location: 14q23.2.
Variant type: single nucleotide variant.
Coding change: c.9501G>T on transcript NM_182914.3 (MANE Select); coding-DNA position 9501, G replaced by T.
Protein change: p.Gln3167His; replaces glutamine 3167 with histidine.
Molecular consequence: missense variant.
Genome position (GRCh38, 1-based): chr14:64,053,414, G>T. VCF-style: chr14-64053414-G-T. GRCh37 (hg19) VCF-style: chr14-64520132-G-T.
Other names: c.9501G>T, p.Gln3167His (NM_015180.6); short protein forms Q3167H.
Identifiers: ClinVar variation 930529 (VCV000930529.18), dbSNP rs1026697162, ClinGen allele CA261839171.

ClinVar aggregate classification (germline): Conflicting classifications of pathogenicity. Review status: criteria provided, conflicting classifications (1 of 4 stars). 5 submissions from 5 submitters: Uncertain significance (3); Likely benign (2). Last evaluated 2025-10-02.

Conditions:
Emery-Dreifuss muscular dystrophy 5, autosomal dominant (EDMD5). Also called: EMERY-DREIFUSS MUSCULAR DYSTROPHY 5. Identifiers: Orphanet 261, MedGen C2751805, MONDO:0013072, OMIM 612999.

Allele frequency attached by ClinVar (database versions not stated): gnomAD 0.00001; gnomAD exomes 0.00001 and 0.00002; TOPMed 0.00002.
gnomAD v4.1: 22 of 1,612,796 alleles (0.0014%); highest among the groups gnomAD compares: Non-Finnish European, 0.0019%; no homozygotes.

Submissions (5):

Dasa
Classification: Uncertain significance. Last evaluated: 2025-10-02. Review status: criteria provided, single submitter. Criteria: DASA Assertion Criteria. Collection method: clinical testing. Allele origin: germline.
Comment: NM_182914.3(SYNE2):c.9501G>T (p.Gln3167His) is a missense variant that results in the substitution of glutamine with histidine. This variant is rare in population databases. Computational prediction algorithms are consistent with a benign effect. The currently available literature and clinical evidence are not sufficient to establish a definitive association between this variant and the reported condition. Therefore, this variant is classified as a variant of uncertain significance.

Labcorp Genetics (formerly Invitae), Labcorp
Classification: Uncertain significance for Emery-Dreifuss muscular dystrophy 5, autosomal dominant. Last evaluated: 2024-10-16. Review status: criteria provided, single submitter. Criteria: Invitae Variant Classification Sherloc (09022015). Collection method: clinical testing. Allele origin: germline.
Comment: This sequence change replaces glutamine, which is neutral and polar, with histidine, which is basic and polar, at codon 3167 of the SYNE2 protein (p.Gln3167His). This variant is present in population databases (no rsID available, gnomAD 0.003%). This variant has not been reported in the literature in individuals affected with SYNE2-related conditions. ClinVar contains an entry for this variant (Variation ID: 930529). An algorithm developed to predict the effect of missense changes on protein structure and function (PolyPhen-2) suggests that this variant is likely to be tolerated. In summary, the available evidence is currently insufficient to determine the role of this variant in disease. Therefore, it has been classified as a Variant of Uncertain Significance.

Blueprint Genetics
Classification: Likely benign. Last evaluated: 2024-02-14. Review status: criteria provided, single submitter. Criteria: ACMG Guidelines, 2015. Collection method: clinical testing. Allele origin: germline.

Ambry Genetics
Classification: Uncertain significance. Last evaluated: 2023-11-21. Review status: criteria provided, single submitter. Criteria: Ambry Variant Classification Scheme 2023. Collection method: clinical testing. Allele origin: germline.

Centre for Mendelian Genomics, University Medical Centre Ljubljana
Classification: Likely benign for Emery-Dreifuss muscular dystrophy 5, autosomal dominant. Last evaluated: 2019-09-07. Review status: criteria provided, single submitter. Criteria: ACMG Guidelines, 2015. Collection method: clinical testing. Allele origin: unknown. Affected: yes.
Comment: This variant was classified as: Likely benign. The following ACMG criteria were applied in classifying this variant: BP4,BP5.